The following is an entry in ClinVar:

ClinVar aggregate classification (germline): Pathogenic (1 of 4 stars; one submission).

Conditions:
Pitt-Hopkins-like syndrome 2 (PTHSL2). Identifiers: Orphanet 221150, Orphanet 600663, MedGen C3280479, MONDO:0013690, OMIM 614325.

Submission:

Labcorp Genetics (formerly Invitae), Labcorp
Classification: Pathogenic for Pitt-Hopkins-like syndrome 2. Last evaluated: 2022-06-13. Review status: criteria provided, single submitter. Criteria: Invitae Variant Classification Sherloc (09022015). Collection method: clinical testing. Allele origin: germline.
Comment: This variant has not been reported in the literature in individuals affected with NRXN1-related conditions. This variant is not present in population databases (gnomAD no frequency). This sequence change creates a premature translational stop signal (p.Glu290Lysfs*11) in the NRXN1 gene. It is expected to result in an absent or disrupted protein product. Loss-of-function variants in NRXN1 are known to be pathogenic (PMID: 19896112, 21964664, 23495017, 23533028, 25149956, 30031152). Algorithms developed to predict the effect of sequence changes on RNA splicing suggest that this variant may disrupt the consensus splice site. For these reasons, this variant has been classified as Pathogenic.

Literature cited by the submitters: PubMed 19896112; PubMed 21964664; PubMed 23495017; PubMed 23533028; PubMed 25149956; PubMed 30031152.

NM_001330078.2(NRXN1):c.772+1129_772+1132del

Gene: NRXN1 (neurexin 1; minus strand). Cytogenetic location: 2p16.3.
Variant type: Deletion.
Coding change: c.772+1129_772+1132del on transcript NM_001330078.2 (MANE Select); bases 1129 to 1132 of the intron after coding-DNA position 772, 4 bases deleted (AAAG; older notation c.772+1129_772+1132delAAAG).
Molecular consequence: intron variant. On other transcripts: splice donor variant (1).
Genome position (GRCh38, 1-based): chr2:51,026,370-51,026,373, CTTT deleted on the plus strand (AAAG on the coding strand, the reverse complement: NRXN1 is on the minus strand); deleting any 4 consecutive bases within chr2:51,026,370-51,026,375 gives the same sequence; the c. name uses the placement nearest the transcript's 3' end. VCF-style (leftmost placement, unchanged base first): chr2-51026369-ACTTT-A. GRCh37 (hg19) VCF-style: chr2-51253507-ACTTT-A.
Other names: c.772+1129_772+1132del (NM_001330096.2, NM_001330087.2, NM_001330083.2 and 14 more transcripts); c.869_871+1del (NM_001135659.3).
Identifiers: ClinVar variation 1390346 (VCV001390346.6), dbSNP rs2105317922, ClinGen allele CA2573134992.
Genomic context (GRCh38, chr2:51,026,369, plus strand): 5'-ACTTTAAATCCTGACATCTCCTACTTAGCCACTGATTCGTCTTTTTCACACCACTCACTC[ACTTT>A]CTGTTAGAGGCTTTGCTGTATTTATACAACAGTATTTTCCTTGGTCATTGTCATGTAACA-3'